The following is an entry in ClinVar:

NM_000059.4(BRCA2):c.7684T>G (p.Phe2562Val)

Gene: BRCA2 (BRCA2 DNA repair associated; plus strand). Cytogenetic location: 13q13.1.
Variant type: single nucleotide variant.
Coding change: c.7684T>G on transcript NM_000059.4 (MANE Select); coding-DNA position 7684, T replaced by G.
Protein change: p.Phe2562Val; replaces phenylalanine 2562 with valine.
Molecular consequence: missense variant.
Genome position (GRCh38, 1-based): chr13:32,357,808, T>G. VCF-style: chr13-32357808-T-G. GRCh37 (hg19) VCF-style: chr13-32931945-T-G.
Other names: p.F2562V:TTT>GTT; NM_000059.4(BRCA2):c.7684T>G; p.Phe2562Val; short protein forms F2562V.
Identifiers: ClinVar variation 182243 (VCV000182243.12), dbSNP rs80358995, ClinGen allele CA025231.

ClinVar aggregate classification (germline): Uncertain significance. Review status: reviewed by expert panel (3 of 4 stars). 3 submissions from 3 submitters: Uncertain significance (1). 2 of the submissions do not count toward it. Last evaluated 2026-01-04.

Conditions:
BRCA2-related cancer predisposition. Identifiers: MedGen CN377758, MONDO:0700269.
Hereditary breast ovarian cancer syndrome. Also called: Breast and ovarian cancer; Hereditary breast and ovarian cancer; Hereditary breast and/or ovarian cancer syndrome; BRCA1- and BRCA2-Associated Hereditary Breast and Ovarian Cancer; Hereditary breast and ovarian cancer syndrome (HBOC); Hereditary breast and ovarian cancer syndrome. Identifiers: Orphanet 145, MedGen C0677776, MeSH D061325, MONDO:0003582. Disease mechanism: loss of function.

Submissions (3):

ClinGen ENIGMA BRCA1 and BRCA2 Variant Curation Expert Panel, ClinGen
Classification: Uncertain significance for BRCA2-related cancer predisposition. Last evaluated: 2026-01-04. Review status: reviewed by expert panel. Criteria: CSpec BRCA12ACMG Rules Specifications V1.1. Collection method: curation. Allele origin: germline. Inheritance: Autosomal dominant inheritance.
Comment: The c.7684T>G variant in BRCA2 is a missense variant predicted to cause substitution of Phenylalanine by Valine at amino acid 2562 (p.(Phe2562Val)). This variant is absent from gnomAD v2.1 (exomes only, non-cancer subset, read depth ≥25) and gnomAD v3.1 (non-cancer subset, read depth ≥25) (PM2_Supporting met). This BRCA2 missense variant has a SpliceAI score of 0.27, predicting an impact on splicing (score threshold >0.20) (PP3 met). Missense variant predicted to alter splicing, functional data considered only from assays that measure effect via mRNA and protein. Results from two calibrated studies with cDNA based design not considered for code application (PMID:38417439, 32444794). Reported by two calibrated studies with discordant results. Functional effect similar to pathogenic control variants (PMID:39779857) and similar to benign control variants (PMID:39779848) (PS3 and BS3 not met). In summary, this variant meets the criteria to be classified as a Variant of uncertain significance for BRCA2-related cancer predisposition based on the ACMG/AMP criteria applied as specified by the ENIGMA BRCA1/2 VCEP (PM2_Supporting, PP3).

GeneDx
Classification: Likely pathogenic. Last evaluated: 2021-04-09. Review status: criteria provided, single submitter. Criteria: GeneDx Variant Classification Process June 2021. Collection method: clinical testing. Allele origin: germline. Affected: yes. Not counted in ClinVar's aggregate classification.
Comment: Published functional studies demonstrate a damaging effect: non-functional in a homology-directed repair assay, sensitive to PARP inhibitors and carboplatin (Ikegami 2020, Richardson 2021); Not observed in large population cohorts (Lek 2016); In silico analysis supports that this missense variant does not alter protein structure/function; Also known as 7912T>G; This variant is associated with the following publications: (PMID: 32444794, 33609447)

Labcorp Genetics (formerly Invitae), Labcorp
Classification: Uncertain significance for Hereditary breast ovarian cancer syndrome. Last evaluated: 2018-12-26. Review status: criteria provided, single submitter. Criteria: Invitae Variant Classification Sherloc (09022015). Collection method: clinical testing. Allele origin: germline. Not counted in ClinVar's aggregate classification.
Comment: In summary, the available evidence is currently insufficient to determine the role of this variant in disease. Therefore, it has been classified as a Variant of Uncertain Significance. Algorithms developed to predict the effect of sequence changes on RNA splicing suggest that this variant may create or strengthen a splice site, but this prediction has not been confirmed by published transcriptional studies. Algorithms developed to predict the effect of missense changes on protein structure and function (SIFT, PolyPhen-2, Align-GVGD) all suggest that this variant is likely to be disruptive, but these predictions have not been confirmed by published functional studies and their clinical significance is uncertain. This variant has not been reported in the literature in individuals with BRCA2-related conditions. ClinVar contains an entry for this variant (Variation ID: 182243). This variant is not present in population databases (ExAC no frequency). This sequence change replaces phenylalanine with valine at codon 2562 of the BRCA2 protein (p.Phe2562Val). The phenylalanine residue is highly conserved and there is a small physicochemical difference between phenylalanine and valine.